The following is an entry in ClinVar:

ClinVar aggregate classification (germline): Likely benign (1 of 4 stars; one submission).

Allele frequency attached by ClinVar (database versions not stated): gnomAD exomes 0.00028; ExAC 0.00080; 1000 Genomes Project 0.00140; 1000 Genomes Project 30x 0.00141; gnomAD 0.00247; TOPMed 0.00286; ESP Exome Variant Server 0.00308.
gnomAD v4.1: 799 of 1,613,918 alleles (0.05%); highest among the groups gnomAD compares: African/African-American, 0.78%; 4 homozygotes.

Submission:

CeGaT Center for Human Genetics Tuebingen
Classification: Likely benign. Last evaluated: 2022-05-01. Review status: criteria provided, single submitter. Criteria: CeGaT Center For Human Genetics Tuebingen Variant Classification Criteria Version 2. Collection method: clinical testing. Allele origin: germline. Affected: yes. Observed: 1 variant allele.
Comment: CSMD2: BP4, BP7

NM_001281956.2(CSMD2):c.10023G>A (p.Thr3341=)

Gene: CSMD2 (CUB and Sushi multiple domains 2; minus strand). Cytogenetic location: 1p35.1.
Variant type: single nucleotide variant.
Coding change: c.10023G>A on transcript NM_001281956.2 (MANE Select); coding-DNA position 10023, G replaced by A.
Protein change: p.Thr3341=; no amino-acid change (threonine 3341 retained).
Molecular consequence: synonymous variant.
Genome position (GRCh38, 1-based): chr1:33,533,198, C>T on the plus strand (G>A on the coding strand, the complement: CSMD2 is on the minus strand). VCF-style: chr1-33533198-C-T. GRCh37 (hg19) VCF-style: chr1-33998798-C-T.
Other names: c.9591G>A, p.Thr3197= (NM_052896.5).
Identifiers: ClinVar variation 2638624 (VCV002638624.24), dbSNP rs146169512, ClinGen allele CA750602.
Genomic context (GRCh38, chr1:33,533,198, plus strand): 5'-GCAGGAGTAGATGAGCGTGTAGCCCATGGAGGGCAAATCCAGGGCCCCGACGTTGGCATG[C>T]GTTGGCGTCTCTGGCTGCCTGCAGTGGTGGGCTGGATGAGAGGAAAGACCCTGTTGGACT-3'
Protein context (NP_001268885.1, residues 3331-3351): PHHCRQPETP[Thr3341=]HANVGALDLP